The following is an entry in ClinVar:

ClinVar aggregate classification (germline): Uncertain significance (1 of 4 stars; one submission).

Allele frequency attached by ClinVar (database versions not stated): ExAC 0.00001; gnomAD 0.00001; TOPMed 0.00001.
gnomAD v4.1: 7 of 1,614,106 alleles (0.00043%); highest among the groups gnomAD compares: Non-Finnish European, 0.00059%; no homozygotes.

Submission:

Labcorp Genetics (formerly Invitae), Labcorp
Classification: Uncertain significance. Last evaluated: 2022-03-21. Review status: criteria provided, single submitter. Criteria: Invitae Variant Classification Sherloc (09022015). Collection method: clinical testing. Allele origin: germline.
Comment: In summary, the available evidence is currently insufficient to determine the role of this variant in disease. Therefore, it has been classified as a Variant of Uncertain Significance. Algorithms developed to predict the effect of missense changes on protein structure and function are either unavailable or do not agree on the potential impact of this missense change (SIFT: "Tolerated"; PolyPhen-2: "Possibly Damaging"; Align-GVGD: "Class C0"). This variant has not been reported in the literature in individuals affected with CCDC88A-related conditions. This variant is present in population databases (rs777465383, gnomAD 0.002%). This sequence change replaces asparagine, which is neutral and polar, with serine, which is neutral and polar, at codon 1537 of the CCDC88A protein (p.Asn1537Ser).

NM_001365480.1(CCDC88A):c.4613A>G (p.Asn1538Ser)

Gene: CCDC88A (coiled-coil domain containing 88A; minus strand). Cytogenetic location: 2p16.1.
Variant type: single nucleotide variant.
Coding change: c.4613A>G on transcript NM_001365480.1 (MANE Select); coding-DNA position 4613, A replaced by G.
Protein change: p.Asn1538Ser; replaces asparagine 1538 with serine.
Molecular consequence: missense variant.
Genome position (GRCh38, 1-based): chr2:55,301,931, T>C on the plus strand (A>G on the coding strand, the complement: CCDC88A is on the minus strand). VCF-style: chr2-55301931-T-C. GRCh37 (hg19) VCF-style: chr2-55529067-T-C.
Other names: c.4610A>G, p.Asn1537Ser (NM_001135597.2, NM_001254943.2); c.4529A>G, p.Asn1510Ser (NM_018084.5); short protein forms N1537S, N1538S, N1510S.
Identifiers: ClinVar variation 1942530 (VCV001942530.3), dbSNP rs777465383, ClinGen allele CA1665544.